The following is an entry in ClinVar:

NM_001191061.2(SLC25A22):c.46G>A (p.Gly16Ser)

Gene: SLC25A22 (solute carrier family 25 member 22; minus strand). Cytogenetic location: 11p15.5.
Variant type: single nucleotide variant.
Coding change: c.46G>A on transcript NM_001191061.2 (MANE Select); coding-DNA position 46, G replaced by A.
Protein change: p.Gly16Ser; replaces glycine 16 with serine.
Molecular consequence: missense variant.
Genome position (GRCh38, 1-based): chr11:794,876, C>T on the plus strand (G>A on the coding strand, the complement: SLC25A22 is on the minus strand). VCF-style: chr11-794876-C-T. GRCh37 (hg19) VCF-style: chr11-794876-C-T.
Other names: c.46G>A, p.Gly16Ser (NM_001191060.2, NM_024698.6); short protein forms G16S.
Identifiers: ClinVar variation 560664 (VCV000560664.9), dbSNP rs149569043, ClinGen allele CA5789410.

ClinVar aggregate classification (germline): Uncertain significance. Review status: criteria provided, multiple submitters, no conflicts (2 of 4 stars). 3 submissions from 3 submitters: Uncertain significance (2). 1 of the submissions does not count toward it. Last evaluated 2025-11-13.

Conditions:
Early-infantile DEE. Also called: Ohtahara syndrome; Early infantile epileptic encephalopathy; Early infantile epileptic encephalopathy with suppression bursts. Identifiers: Orphanet 1934, MedGen C0393706, MONDO:0800491.
Seizure. Also called: Seizures. Identifiers: MedGen C0036572, HP:0001250.
Inborn genetic diseases. Identifiers: MedGen C0950123, MeSH D030342.

Allele frequency attached by ClinVar (database versions not stated): TOPMed 0.00004; gnomAD 0.00006 and 0.00007; 1000 Genomes Project 30x 0.00016; 1000 Genomes Project 0.00020.
gnomAD v4.1: 27 of 1,567,944 alleles (0.0017%); highest among the groups gnomAD compares: African/African-American, 0.0094%; no homozygotes.

Submissions (3):

Ambry Genetics
Classification: Uncertain significance for Inborn genetic diseases. Last evaluated: 2025-11-13. Review status: criteria provided, single submitter. Criteria: Ambry Variant Classification Scheme 2023. Collection method: clinical testing. Allele origin: germline.
Comment: The c.46G>A (p.G16S) alteration is located in exon 3 (coding exon 2) of the SLC25A22 gene. This alteration results from a G to A substitution at nucleotide position 46, causing the glycine (G) at amino acid position 16 to be replaced by a serine (S). Based on data from gnomAD, the A allele has an overall frequency of 0.003% (6/207612) total alleles studied. The highest observed frequency was 0.016% (3/19248) of African alleles. Based on insufficient or conflicting evidence, the clinical significance of this alteration remains unclear.

Labcorp Genetics (formerly Invitae), Labcorp
Classification: Uncertain significance for Early-infantile DEE. Last evaluated: 2025-06-04. Review status: criteria provided, single submitter. Criteria: Invitae Variant Classification Sherloc (09022015). Collection method: clinical testing. Allele origin: germline.
Comment: This sequence change replaces glycine, which is neutral and non-polar, with serine, which is neutral and polar, at codon 16 of the SLC25A22 protein (p.Gly16Ser). This variant is present in population databases (rs149569043, gnomAD 0.02%). This variant has not been reported in the literature in individuals affected with SLC25A22-related conditions. ClinVar contains an entry for this variant (Variation ID: 560664). Invitae Evidence Modeling of protein sequence and biophysical properties (such as structural, functional, and spatial information, amino acid conservation, physicochemical variation, residue mobility, and thermodynamic stability) indicates that this missense variant is not expected to disrupt SLC25A22 protein function with a negative predictive value of 80%. In summary, the available evidence is currently insufficient to determine the role of this variant in disease. Therefore, it has been classified as a Variant of Uncertain Significance.

Clinical Molecular Genetics Laboratory, Johns Hopkins All Children's Hospital
Classification: Uncertain significance for seizures. Last evaluated: 2017-09-01. Review status: no assertion criteria provided. Collection method: clinical testing. Allele origin: germline. Affected: yes. Not counted in ClinVar's aggregate classification.